The following is an entry in ClinVar:

NM_014112.5(TRPS1):c.2429C>A (p.Ala810Glu)

Gene: TRPS1 (transcriptional repressor GATA binding 1; minus strand). Cytogenetic location: 8q23.3.
Variant type: single nucleotide variant.
Coding change: c.2429C>A on transcript NM_014112.5 (MANE Select); coding-DNA position 2429, C replaced by A.
Protein change: p.Ala810Glu; replaces alanine 810 with glutamic acid.
Molecular consequence: missense variant.
Genome position (GRCh38, 1-based): chr8:115,587,272, G>T on the plus strand (C>A on the coding strand, the complement: TRPS1 is on the minus strand). VCF-style: chr8-115587272-G-T. GRCh37 (hg19) VCF-style: chr8-116599499-G-T.
Other names: c.2402C>A, p.Ala801Glu (NM_001282902.3); c.2408C>A, p.Ala803Glu (NM_001282903.3); c.2390C>A, p.Ala797Glu (NM_001330599.2); short protein forms A810E, A797E, A801E, A803E.
Identifiers: ClinVar variation 4783136 (VCV004783136.1).

ClinVar aggregate classification (germline): Uncertain significance (1 of 4 stars; one submission).

Conditions:
Trichorhinophalangeal syndrome, type III (TRPS3). Also called: SUGIO-KAJII SYNDROME. Identifiers: Orphanet 77258, MedGen C1860823, OMIM 190351, MONDO:0008597.
Trichorhinophalangeal dysplasia type I (TRPS1). Also called: TRICHORHINOPHALANGEAL SYNDROME, TYPE I; TRPS I. Identifiers: Orphanet 77258, MedGen C0432233, MONDO:0008596, OMIM 190350.

Submission:

Labcorp Genetics (formerly Invitae), Labcorp
Classification: Uncertain significance for Trichorhinophalangeal syndrome, type III; Trichorhinophalangeal dysplasia type I. Last evaluated: 2025-12-02. Review status: criteria provided, single submitter. Criteria: Invitae Variant Classification Sherloc (09022015). Collection method: clinical testing. Allele origin: germline.
Comment: This sequence change replaces alanine, which is neutral and non-polar, with glutamic acid, which is acidic and polar, at codon 810 of the TRPS1 protein (p.Ala810Glu). This variant is not present in population databases (gnomAD no frequency). This variant has not been reported in the literature in individuals affected with TRPS1-related conditions. Invitae Evidence Modeling of protein sequence and biophysical properties (such as structural, functional, and spatial information, amino acid conservation, physicochemical variation, residue mobility, and thermodynamic stability) indicates that this missense variant is not expected to disrupt TRPS1 protein function with a negative predictive value of 80%. In summary, the available evidence is currently insufficient to determine the role of this variant in disease. Therefore, it has been classified as a Variant of Uncertain Significance.